The following is an entry in ClinVar:

NM_020655.4(JPH3):c.855C>T (p.Thr285=)

Gene: JPH3 (junctophilin 3; plus strand). Cytogenetic location: 16q24.2.
Variant type: single nucleotide variant.
Coding change: c.855C>T on transcript NM_020655.4 (MANE Select); coding-DNA position 855, C replaced by T.
Protein change: p.Thr285=; no amino-acid change (threonine 285 retained).
Molecular consequence: synonymous variant. On other transcripts: non-coding transcript variant (1).
Genome position (GRCh38, 1-based): chr16:87,644,730, C>T. VCF-style: chr16-87644730-C-T. GRCh37 (hg19) VCF-style: chr16-87678336-C-T.
Other names: c.855C>T (NM_020655.2).
Identifiers: ClinVar variation 2646960 (VCV002646960.25), dbSNP rs112449440, ClinGen allele CA8220870.

ClinVar aggregate classification (germline): Likely benign. Review status: criteria provided, multiple submitters, no conflicts (2 of 4 stars). 2 submissions from 2 submitters: Likely benign (2). Last evaluated 2023-11-14.

Conditions:
Inborn genetic diseases. Identifiers: MedGen C0950123, MeSH D030342.

Allele frequency attached by ClinVar (database versions not stated): ESP Exome Variant Server 0.00008.
gnomAD v4.1: 68 of 1,612,638 alleles (0.0042%); highest among the groups gnomAD compares: Admixed American, 0.012%; no homozygotes.

Submissions (2):

Ambry Genetics
Classification: Likely benign for Inborn genetic diseases. Last evaluated: 2023-11-14. Review status: criteria provided, single submitter. Criteria: Ambry Variant Classification Scheme 2023. Collection method: clinical testing. Allele origin: germline.

CeGaT Center for Human Genetics Tuebingen
Classification: Likely benign. Last evaluated: 2022-11-01. Review status: criteria provided, single submitter. Criteria: CeGaT Center For Human Genetics Tuebingen Variant Classification Criteria Version 2. Collection method: clinical testing. Allele origin: germline. Affected: yes. Observed: 1 variant allele.
Comment: JPH3: BP4, BP7